The following is an entry in ClinVar:

NM_012186.3(FOXE3):c.538C>G (p.Pro180Ala)

Genes: FOXE3 (forkhead box E3; plus strand), LINC01389 (long independently transcribed non-coding RNA 1389; minus strand). Cytogenetic location: 1p33.
Variant type: single nucleotide variant.
Coding change: c.538C>G on transcript NM_012186.3 (MANE Select); coding-DNA position 538, C replaced by G.
Protein change: p.Pro180Ala; replaces proline 180 with alanine.
Molecular consequence: missense variant.
Genome position (GRCh38, 1-based): chr1:47,416,853, C>G. VCF-style: chr1-47416853-C-G. GRCh37 (hg19) VCF-style: chr1-47882525-C-G.
Other names: short protein forms P180A.
Identifiers: ClinVar variation 4794745 (VCV004794745.1).

ClinVar aggregate classification (germline): Uncertain significance (1 of 4 stars; one submission).

Conditions:
Anterior segment dysgenesis. Also called: Ocular anterior segment dysgenesis. Identifiers: Orphanet 88632, MedGen C1862839, MONDO:0019503, HP:0007700.
Congenital primary aphakia. Also called: Anterior segment dysgenesis 2, multiple subtypes; ANTERIOR SEGMENT DYSGENESIS 2. Identifiers: Orphanet 83461, MedGen C1853230, MONDO:0012456, OMIM 610256.

Submission:

Labcorp Genetics (formerly Invitae), Labcorp
Classification: Uncertain significance for Anterior segment dysgenesis; Congenital primary aphakia. Last evaluated: 2025-06-01. Review status: criteria provided, single submitter. Criteria: Invitae Variant Classification Sherloc (09022015). Collection method: clinical testing. Allele origin: germline.
Comment: This sequence change replaces proline, which is neutral and non-polar, with alanine, which is neutral and non-polar, at codon 180 of the FOXE3 protein (p.Pro180Ala). This variant is not present in population databases (gnomAD no frequency). This variant has not been reported in the literature in individuals affected with FOXE3-related conditions. Invitae Evidence Modeling of protein sequence and biophysical properties (such as structural, functional, and spatial information, amino acid conservation, physicochemical variation, residue mobility, and thermodynamic stability) indicates that this missense variant is not expected to disrupt FOXE3 protein function with a negative predictive value of 95%. In summary, the available evidence is currently insufficient to determine the role of this variant in disease. Therefore, it has been classified as a Variant of Uncertain Significance.